The following is an entry in ClinVar:

NM_007286.6(SYNPO):c.2361_2366dup (p.Pro789_Pro790insAlaPro)

Gene: SYNPO (synaptopodin; plus strand). Cytogenetic location: 5q33.1.
Variant type: Duplication.
Coding change: c.2361_2366dup on transcript NM_007286.6 (MANE Select); coding-DNA positions 2361 to 2366, 6 bases duplicated (GGCGCC; older notation c.2361_2366dupGGCGCC).
Protein change: p.Pro789_Pro790insAlaPro.
Molecular consequence: inframe insertion.
Genome position (GRCh38, 1-based): chr5:150,656,736-150,656,741, GGCGCC duplicated. VCF-style (leftmost placement, unchanged base first): chr5-150656735-G-GGGCGCC. GRCh37 (hg19) VCF-style: chr5-150036297-G-GGGCGCC.
Identifiers: ClinVar variation 3017982 (VCV003017982.3), dbSNP rs1490630625, ClinGen allele CA563957162.
Genomic context (GRCh38, chr5:150,656,735, plus strand): 5'-GCAAGAGCGCCTCCCCGCGGTCGGCGGGCGCCGAGAACCCGCGGCCCTTCTCCCCGCCGA[G>GGGCGCC]GGCGCCACCGCCCCCGCCCCCGCCCCCGCCCCCGCCCCCGCGCATGCGCTCGCCACAGCC-3'

ClinVar aggregate classification (germline): Uncertain significance (1 of 4 stars; one submission).

Allele frequency attached by ClinVar (database versions not stated): gnomAD 0.00006.

Submission:

Labcorp Genetics (formerly Invitae), Labcorp
Classification: Uncertain significance. Last evaluated: 2024-11-05. Review status: criteria provided, single submitter. Criteria: Invitae Variant Classification Sherloc (09022015). Collection method: clinical testing. Allele origin: germline.
Comment: This variant, c.2361_2366dup, results in the insertion of 2 amino acid(s) of the SYNPO protein (p.Ala788_Pro789dup), but otherwise preserves the integrity of the reading frame. The frequency data for this variant in the population databases is considered unreliable, as metrics indicate poor data quality at this position in the gnomAD database. This variant has not been reported in the literature in individuals affected with SYNPO-related conditions. ClinVar contains an entry for this variant (Variation ID: 3017982). In summary, the available evidence is currently insufficient to determine the role of this variant in disease. Therefore, it has been classified as a Variant of Uncertain Significance.